The following is an entry in ClinVar:

NM_001165963.4(SCN1A):c.5142G>T (p.Met1714Ile)

Genes: SCN1A (sodium voltage-gated channel alpha subunit 1; minus strand), LOC102724058 (uncharacterized LOC102724058; plus strand). Cytogenetic location: 2q24.3.
Variant type: single nucleotide variant.
Coding change: c.5142G>T on transcript NM_001165963.4 (MANE Select); coding-DNA position 5142, G replaced by T.
Protein change: p.Met1714Ile; replaces methionine 1714 with isoleucine.
Molecular consequence: missense variant. On other transcripts: non-coding transcript variant (1).
Genome position (GRCh38, 1-based): chr2:165,992,133, C>A on the plus strand (G>T on the coding strand, the complement: SCN1A is on the minus strand). VCF-style: chr2-165992133-C-A. GRCh37 (hg19) VCF-style: chr2-166848643-C-A.
Other names: c.5058G>T, p.Met1686Ile (NM_001165964.3, NM_001353957.2, NM_001353958.2); c.5142G>T, p.Met1714Ile (NM_001202435.3, NM_001353948.2); c.5109G>T, p.Met1703Ile (NM_001353949.2, NM_001353950.2, NM_001353951.2 and 2 more transcripts); c.5106G>T, p.Met1702Ile (NM_001353954.2, NM_001353955.2); c.5055G>T, p.Met1685Ile (NM_001353960.2); c.2700G>T, p.Met900Ile (NM_001353961.2); short protein forms M1686I, M1703I, M1714I, M900I, M1702I, M1685I.
Identifiers: ClinVar variation 4055861 (VCV004055861.1).

ClinVar aggregate classification (germline): Likely pathogenic (1 of 4 stars; one submission).

Submission:

GeneDx
Classification: Likely pathogenic. Last evaluated: 2025-01-01. Review status: criteria provided, single submitter. Criteria: GeneDx Variant Classification Process June 2021. Collection method: clinical testing. Allele origin: germline. Affected: yes.
Comment: Has not been previously published as pathogenic or benign to our knowledge; In silico analysis supports that this missense variant has a deleterious effect on protein structure/function; Not observed at significant frequency in large population cohorts (gnomAD); This variant is associated with the following publications: (PMID: 30034362, 35074891, 18930999, 17054684)